The following is an entry in ClinVar:

NM_001447.3(FAT2):c.8080C>T (p.Pro2694Ser)

Genes: FAT2 (FAT atypical cadherin 2; minus strand), SLC36A1 (solute carrier family 36 member 1; plus strand). Cytogenetic location: 5q33.1.
Variant type: single nucleotide variant.
Coding change: c.8080C>T on transcript NM_001447.3 (MANE Select); coding-DNA position 8080, C replaced by T.
Protein change: p.Pro2694Ser; replaces proline 2694 with serine.
Molecular consequence: missense variant.
Genome position (GRCh38, 1-based): chr5:151,543,047, G>A on the plus strand (C>T on the coding strand, the complement: FAT2 is on the minus strand). VCF-style: chr5-151543047-G-A. GRCh37 (hg19) VCF-style: chr5-150922608-G-A.
Other names: short protein forms P2694S.
Identifiers: ClinVar variation 4749464 (VCV004749464.1).

ClinVar aggregate classification (germline): Uncertain significance (1 of 4 stars; one submission).

gnomAD v4.1: 26 of 1,614,066 alleles (0.0016%); highest among the groups gnomAD compares: Admixed American, 0.01%; no homozygotes.

Submission:

Labcorp Genetics (formerly Invitae), Labcorp
Classification: Uncertain significance. Last evaluated: 2025-02-18. Review status: criteria provided, single submitter. Criteria: Invitae Variant Classification Sherloc (09022015). Collection method: clinical testing. Allele origin: germline.
Comment: This sequence change replaces proline, which is neutral and non-polar, with serine, which is neutral and polar, at codon 2694 of the FAT2 protein (p.Pro2694Ser). This variant is present in population databases (rs149549832, gnomAD 0.02%). This variant has not been reported in the literature in individuals affected with FAT2-related conditions. Invitae Evidence Modeling of protein sequence and biophysical properties (such as structural, functional, and spatial information, amino acid conservation, physicochemical variation, residue mobility, and thermodynamic stability) indicates that this missense variant is not expected to disrupt FAT2 protein function with a negative predictive value of 80%. In summary, the available evidence is currently insufficient to determine the role of this variant in disease. Therefore, it has been classified as a Variant of Uncertain Significance.